The following is an entry in ClinVar:

NM_001378609.3(OTOGL):c.2184C>T (p.His728=)

Gene: OTOGL (otogelin like; plus strand). Cytogenetic location: 12q21.31.
Variant type: single nucleotide variant.
Coding change: c.2184C>T on transcript NM_001378609.3 (MANE Select); coding-DNA position 2184, C replaced by T.
Protein change: p.His728=; no amino-acid change (histidine 728 retained).
Molecular consequence: synonymous variant.
Genome position (GRCh38, 1-based): chr12:80,265,170, C>T. VCF-style: chr12-80265170-C-T. GRCh37 (hg19) VCF-style: chr12-80658950-C-T.
Other names: c.2184C>T, p.His728= (NM_001368062.3, NM_001378610.3, NM_173591.7); c.2157C>T (NM_173591.3).
Identifiers: ClinVar variation 3018424 (VCV003018424.4), dbSNP rs948273927, ClinGen allele CA6700691.

ClinVar aggregate classification (germline): Likely benign. Review status: criteria provided, multiple submitters, no conflicts (2 of 4 stars). 2 submissions from 2 submitters: Likely benign (2). Last evaluated 2025-10-02.

Conditions:
OTOGL-related disorder. Also called: OTOGL-related condition.

Allele frequency attached by ClinVar (database versions not stated): gnomAD 0.00003; gnomAD exomes 0.00003; ExAC 0.00004; TOPMed 0.00009.
gnomAD v4.1: 43 of 1,613,682 alleles (0.0027%); highest among the groups gnomAD compares: Admixed American, 0.013%; no homozygotes.

Submissions (2):

PreventionGenetics, part of Exact Sciences
Classification: Likely benign for OTOGL-related condition. Last evaluated: 2025-10-02. Review status: criteria provided, single submitter. Criteria: ACMG Guidelines, 2015. Collection method: clinical testing. Allele origin: germline.
Comment: This variant is classified as likely benign based on ACMG/AMP sequence variant interpretation guidelines (Richards et al. 2015 PMID: 25741868, with internal and published modifications).

Labcorp Genetics (formerly Invitae), Labcorp
Classification: Likely benign. Last evaluated: 2025-01-29. Review status: criteria provided, single submitter. Criteria: Invitae Variant Classification Sherloc (09022015). Collection method: clinical testing. Allele origin: germline.